The following is an entry in ClinVar:

ClinVar aggregate classification (germline): Likely benign. Review status: criteria provided, multiple submitters, no conflicts (2 of 4 stars). 2 submissions from 2 submitters: Likely benign (2). Last evaluated 2025-11-19.

Conditions:
Emery-Dreifuss muscular dystrophy 5, autosomal dominant (EDMD5). Also called: EMERY-DREIFUSS MUSCULAR DYSTROPHY 5. Identifiers: Orphanet 261, MedGen C2751805, MONDO:0013072, OMIM 612999.

Allele frequency attached by ClinVar (database versions not stated): gnomAD 0.00004 and 0.00005; TOPMed 0.00004; ESP Exome Variant Server 0.00008; gnomAD exomes 0.00008; ExAC 0.00010; 1000 Genomes Project 30x 0.00047; 1000 Genomes Project 0.00060.
gnomAD v4.1: 47 of 1,613,250 alleles (0.0029%); highest among the groups gnomAD compares: East Asian, 0.029%; no homozygotes.

Submissions (2):

Labcorp Genetics (formerly Invitae), Labcorp
Classification: Likely benign for Emery-Dreifuss muscular dystrophy 5, autosomal dominant. Last evaluated: 2025-11-19. Review status: criteria provided, single submitter. Criteria: Invitae Variant Classification Sherloc (09022015). Collection method: clinical testing. Allele origin: germline.

CeGaT Center for Human Genetics Tuebingen
Classification: Likely benign. Last evaluated: 2024-04-01. Review status: criteria provided, single submitter. Criteria: CeGaT Center For Human Genetics Tuebingen Variant Classification Criteria Version 2. Collection method: clinical testing. Allele origin: germline. Affected: yes. Observed: 1 variant allele.
Comment: SYNE2: BP4, BP7

NM_182914.3(SYNE2):c.14313G>A (p.Ala4771=)

Gene: SYNE2 (spectrin repeat containing nuclear envelope protein 2; plus strand). Cytogenetic location: 14q23.2.
Variant type: single nucleotide variant.
Coding change: c.14313G>A on transcript NM_182914.3 (MANE Select); coding-DNA position 14313, G replaced by A.
Protein change: p.Ala4771=; no amino-acid change (alanine 4771 retained).
Molecular consequence: synonymous variant.
Genome position (GRCh38, 1-based): chr14:64,130,221, G>A. VCF-style: chr14-64130221-G-A. GRCh37 (hg19) VCF-style: chr14-64596939-G-A.
Other names: c.14313G>A, p.Ala4771= (NM_015180.6).
Identifiers: ClinVar variation 759421 (VCV000759421.31), dbSNP rs148690779, ClinGen allele CA7222739.